The following is an entry in ClinVar:

ClinVar aggregate classification (germline): Benign (0 of 4 stars; one submission).

Conditions:
PSORS1C1-related disorder. Also called: PSORS1C1-related condition.

Allele frequency attached by ClinVar (database versions not stated): 1000 Genomes Project 0.14137; 1000 Genomes Project 30x 0.14225; ExAC 0.15051; TOPMed 0.15509; gnomAD 0.15519; gnomAD exomes 0.16329; ESP Exome Variant Server 0.16801.

Submission:

PreventionGenetics, part of Exact Sciences
Classification: Benign for PSORS1C1-related condition. Last evaluated: 2019-11-08. Review status: no assertion criteria provided. Collection method: clinical testing. Allele origin: germline.
Comment: This variant is classified as benign based on ACMG/AMP sequence variant interpretation guidelines (Richards et al. 2015 PMID: 25741868, with internal and published modifications).

NM_014068.3(PSORS1C1):c.398C>T (p.Pro133Leu)

Gene: PSORS1C1 (psoriasis susceptibility 1 candidate 1; plus strand). Cytogenetic location: 6p21.33.
Variant type: single nucleotide variant.
Coding change: c.398C>T on transcript NM_014068.3 (MANE Select); coding-DNA position 398, C replaced by T.
Protein change: p.Pro133Leu; replaces proline 133 with leucine.
Molecular consequence: missense variant.
Genome position (GRCh38, 1-based): chr6:31,139,871, C>T. VCF-style: chr6-31139871-C-T. GRCh37 (hg19) VCF-style: chr6-31107648-C-T.
Other names: short protein forms P133L.
Identifiers: ClinVar variation 3059182 (VCV003059182.2), dbSNP rs1063646, ClinGen allele CA3708860.